The following is an entry in ClinVar:

NM_172250.3(MMAA):c.1196_1197delinsTT (p.Gly399Val)

Gene: MMAA (metabolism of cobalamin associated A; plus strand). Cytogenetic location: 4q31.21.
Variant type: Indel.
Coding change: c.1196_1197delinsTT on transcript NM_172250.3 (MANE Select); coding-DNA positions 1196 to 1197, GG replaced by TT.
Protein change: p.Gly399Val; replaces glycine 399 with valine.
Molecular consequence: missense variant.
Genome position (GRCh38, 1-based): chr4:145,655,373-145,655,374, GG replaced by TT. VCF-style: chr4-145655373-GG-TT. GRCh37 (hg19) VCF-style: chr4-146576525-GG-TT.
Other names: short protein forms G399V.
Identifiers: ClinVar variation 440811 (VCV000440811.3), dbSNP rs1553959152, ClinGen allele CA645509154.

ClinVar aggregate classification (germline): Pathogenic/Likely pathogenic. Review status: criteria provided, multiple submitters, no conflicts (2 of 4 stars). 2 submissions from 2 submitters: Pathogenic (1); Likely pathogenic (1). Last evaluated 2025-10-27.

Conditions:
Methylmalonic aciduria, cblA type (MACA). Also called: Methylmalonic aciduria, vitamin b12-responsive, due to defect in synthesis of adenosylcobalamin, cbla complementation type; MMA cbl A type; Methylmalonic acidemia cblA type; Vitamin B12-responsive methylmalonic acidemia type cblA; Methylmalonic aciduria, vitamin B12-responsive. Identifiers: Orphanet 28, Orphanet 79310, MedGen C1855109, MONDO:0009613, OMIM 251100.

Submissions (2):

Natera, Inc.
Classification: Likely pathogenic for Methylmalonic aciduria cblA type. Last evaluated: 2025-10-27. Review status: criteria provided, single submitter. Criteria: Natera Variant Classification Schema (03/2026). Collection method: clinical testing. Allele origin: germline.
Comment: The c.1196_1197delinsTT variant in MMAA is a deletion-insertion (delins) variant predicted to replace one or more nucleotides with a different sequence. This variant is rare in the general population with a frequency below the threshold expected for the associated phenotype(s). This variant has been observed in one or more individuals affected with the associated recessive disease, as either homozygous or compound heterozygous with a second variant (PMID: 28497574). Functional studies show that this variant may disrupt protein function (PMID: 28497574). Computational prediction algorithms indicate this variant is likely to affect gene or protein function. Given the available evidence, this variant is classified as Likely Pathogenic.

University Children's Hospital, University of Zurich
Classification: Pathogenic for Methylmalonic aciduria, cblA type. Review status: criteria provided, single submitter. Criteria: ZB-IEM Variant Assertion Criteria. Collection method: clinical testing. Allele origin: germline. Affected: yes. Observed: 1 variant allele.

Literature cited by the submitters: PubMed 28497574 (cited by Natera, Inc.).